The following is an entry in ClinVar:

NM_001927.4(DES):c.1243del (p.Arg415fs)

Gene: DES (desmin; plus strand). Cytogenetic location: 2q35.
Variant type: Deletion.
Coding change: c.1243del on transcript NM_001927.4 (MANE Select); coding-DNA position 1243, one base deleted (C; older notation c.1243delC).
Protein change: p.Arg415fs; shifts the reading frame from arginine 415.
Molecular consequence: frameshift variant.
Genome position (GRCh38, 1-based): chr2:219,421,559, C deleted; the last of 2 consecutive C bases (chr2:219,421,558-219,421,559); deleting either gives the same sequence. VCF-style (leftmost placement, unchanged base first): chr2-219421557-GC-G. GRCh37 (hg19) VCF-style: chr2-220286279-GC-G.
Other names: short protein forms R415fs.
Identifiers: ClinVar variation 854510 (VCV000854510.10), dbSNP rs1954445390, ClinGen allele CA916081395.

ClinVar aggregate classification (germline): Uncertain significance (1 of 4 stars; one submission).

Conditions:
Desmin-related myofibrillar myopathy (MFM1). Also called: MYOFIBRILLAR MYOPATHY WITH ARRHYTHMOGENIC RIGHT VENTRICULAR CARDIOMYOPATHY; DESMIN-RELATED MYOPATHY WITH ARRHYTHMOGENIC RIGHT VENTRICULAR CARDIOMYOPATHY; Myofibrillar myopathy 1; Desminopathy; Desmin related myopathy (former name); Desmin storage myopathy (former name). Identifiers: Orphanet 363543, Orphanet 98909, MedGen C1832370, MONDO:0011076, OMIM 601419.

Submission:

Labcorp Genetics (formerly Invitae), Labcorp
Classification: Uncertain significance for Desmin-related myofibrillar myopathy. Last evaluated: 2020-02-19. Review status: criteria provided, single submitter. Criteria: Invitae Variant Classification Sherloc (09022015). Collection method: clinical testing. Allele origin: germline.
Comment: In summary, the available evidence is currently insufficient to determine the role of this variant in disease. Therefore, it has been classified as a Variant of Uncertain Significance. Algorithms developed to predict the effect of sequence changes on RNA splicing suggest that this variant may disrupt the consensus splice site, but this prediction has not been confirmed by published transcriptional studies. This variant has not been reported in the literature in individuals with DES-related conditions. This variant is not present in population databases (ExAC no frequency). This sequence change results in a premature translational stop signal in the DES gene (p.Arg415Glyfs*32). While this is not anticipated to result in nonsense mediated decay, it is expected to disrupt the last 56 amino acids of the DES protein.